The following is an entry in ClinVar:

NM_000445.5(PLEC):c.38A>C (p.Glu13Ala)

Gene: PLEC (plectin; minus strand). Cytogenetic location: 8q24.3.
Variant type: single nucleotide variant.
Coding change: c.38A>C on transcript NM_000445.5; coding-DNA position 38, A replaced by C.
Protein change: p.Glu13Ala; replaces glutamic acid 13 with alanine.
Molecular consequence: missense variant.
Genome position (GRCh38, 1-based): chr8:143,975,332, T>G on the plus strand (A>C on the coding strand, the complement: PLEC is on the minus strand). VCF-style: chr8-143975332-T-G. GRCh37 (hg19) VCF-style: chr8-145049500-T-G.
Other names: c.38A>C, p.Glu13Ala (NM_001410941.1); short protein forms E13A.
Identifiers: ClinVar variation 448063 (VCV000448063.13), dbSNP rs370431965, ClinGen allele CA4929182.

ClinVar aggregate classification (germline): Uncertain significance. Review status: criteria provided, multiple submitters, no conflicts (2 of 4 stars). 5 submissions from 5 submitters: Uncertain significance (5). Last evaluated 2025-11-03.

Conditions:
Epidermolysis bullosa simplex 5B, with muscular dystrophy (EBS5B). Also called: EPIDERMOLYSIS BULLOSA SIMPLEX AND LIMB-GIRDLE MUSCULAR DYSTROPHY; Epidermolysis bullosa simplex with muscular dystrophy. Identifiers: Orphanet 257, MedGen C2931072, MONDO:0009181, OMIM 226670.
Epidermolysis bullosa simplex with nail dystrophy (EBS5D). Identifiers: MedGen C4225309, MONDO:0014661, OMIM 616487.
Epidermolysis bullosa simplex, Ogna type (EBS5A). Also called: Pidermolysis bullosa simplex 5A, Ogna type; EPIDERMOLYSIS BULLOSA SIMPLEX 5A, OGNA TYPE. Identifiers: Orphanet 79401, MedGen C0432317, MONDO:0007555, OMIM 131950.
Epidermolysis bullosa simplex 5C, with pyloric atresia (EBS5C). Also called: PLEC-Related Epidermolysis Bullosa with Pyloric Atresia; Epidermolysis bullosa simplex with pyloric atresia; PLEC1-Related Epidermolysis Bullosa with Pyloric Atresia. Identifiers: Orphanet 158684, MedGen C2677349, MONDO:0012807, OMIM 612138.
Autosomal recessive limb-girdle muscular dystrophy type 2Q (LGMDR17). Also called: MUSCULAR DYSTROPHY, LIMB-GIRDLE, AUTOSOMAL RECESSIVE 17. Identifiers: Orphanet 254361, MedGen C3150989, MONDO:0013390, OMIM 613723.

Allele frequency attached by ClinVar (database versions not stated): gnomAD 0.00013 and 0.00015; ESP Exome Variant Server 0.00016; gnomAD exomes 0.00005 and 0.00001; ExAC 0.00008; TOPMed 0.00019.
gnomAD v4.1: 38 of 1,611,190 alleles (0.0024%); highest among the groups gnomAD compares: African/African-American, 0.048%; no homozygotes.

Submissions (5):

Labcorp Genetics (formerly Invitae), Labcorp
Classification: Uncertain significance for Autosomal recessive limb-girdle muscular dystrophy type 2Q; Epidermolysis bullosa simplex, Ogna type; Epidermolysis bullosa simplex with nail dystrophy; Epidermolysis bullosa simplex 5C, with pyloric atresia; Epidermolysis bullosa simplex 5B, with muscular dystrophy. Last evaluated: 2025-11-03. Review status: criteria provided, single submitter. Criteria: Invitae Variant Classification Sherloc (09022015). Collection method: clinical testing. Allele origin: germline.
Comment: This sequence change replaces glutamic acid, which is acidic and polar, with alanine, which is neutral and non-polar, at codon 13 of the PLEC protein (p.Glu13Ala). This variant is present in population databases (rs370431965, gnomAD 0.04%). This variant has not been reported in the literature in individuals affected with PLEC-related conditions. ClinVar contains an entry for this variant (Variation ID: 448063). Experimental studies and prediction algorithms are not available or were not evaluated, and the functional significance of this variant is currently unknown. In summary, the available evidence is currently insufficient to determine the role of this variant in disease. Therefore, it has been classified as a Variant of Uncertain Significance.

Mayo Clinic Laboratories, Mayo Clinic
Classification: Uncertain significance. Last evaluated: 2025-09-28. Review status: criteria provided, single submitter. Criteria: ACMG Guidelines, 2015. Collection method: clinical testing. Allele origin: germline. Observed: 1 variant allele.
Comment: BP4

Revvity Omics, Revvity
Classification: Uncertain significance. Last evaluated: 2023-01-12. Review status: criteria provided, single submitter. Criteria: ACMG Guidelines, 2015. Collection method: clinical testing. Allele origin: germline.

GeneDx
Classification: Uncertain significance. Last evaluated: 2017-09-13. Review status: criteria provided, single submitter. Criteria: GeneDx Variant Classification (06012015). Collection method: clinical testing. Allele origin: germline. Affected: yes.
Comment: The E13A variant in the PLEC gene has not been reported previously as a pathogenic variant, nor as a benign variant, to our knowledge. The E13A variant is observed in 9/9654 (0.09%) alleles from individuals of African background in large population cohorts (Lek et al., 2016; 1000 Genomes Consortium et al., 2015; Exome Variant Server). The E13A variant is a non-conservative amino acid substitution, which is likely to impact secondary protein structure as these residues differ in polarity, charge, size and/or other properties. This substitution occurs at a position where amino acids with similar properties to Glutamic acid are tolerated across species. In silico analysis is inconsistent in its predictions as to whether or not the variant is damaging to the protein structure/function. We interpret E13A as a variant of uncertain significance.

Athena Diagnostics
Classification: Uncertain significance. Last evaluated: 2016-10-25. Review status: criteria provided, single submitter. Criteria: Athena Diagnostics Criteria. Collection method: clinical testing. Allele origin: germline.